The following is an entry in ClinVar:

NM_003907.3(EIF2B5):c.943C>T (p.Arg315Cys)

Gene: EIF2B5 (eukaryotic translation initiation factor 2B subunit epsilon; plus strand). Cytogenetic location: 3q27.1.
Variant type: single nucleotide variant.
Coding change: c.943C>T on transcript NM_003907.3 (MANE Select); coding-DNA position 943, C replaced by T.
Protein change: p.Arg315Cys; replaces arginine 315 with cysteine.
Molecular consequence: missense variant.
Genome position (GRCh38, 1-based): chr3:184,140,517, C>T. VCF-style: chr3-184140517-C-T. GRCh37 (hg19) VCF-style: chr3-183858305-C-T.
Other names: short protein forms R315C.
Identifiers: ClinVar variation 598970 (VCV000598970.15), dbSNP rs113994063, ClinGen allele CA88842874.

ClinVar aggregate classification (germline): Pathogenic. Review status: criteria provided, multiple submitters, no conflicts (2 of 4 stars). 7 submissions from 7 submitters: Pathogenic (7). Last evaluated 2025-08-03.

Conditions:
Vanishing white matter disease. Also called: CACH syndrome; Childhood ataxia with diffuse central nervous system hypomyelination; Leukoencephalopathy with vanishing white matter; CACH/VWM syndrome; Cree leukoencehalopathy. Identifiers: Orphanet 135, Orphanet 99853, MedGen C1858991, MONDO:0800448.
Leukodystrophy. Identifiers: Orphanet 68356, MedGen C0023520, MONDO:0019046, HP:0002415.

Allele frequency attached by ClinVar (database versions not stated): gnomAD exomes 0.00001 and 0.00002; gnomAD 0.00003; TOPMed 0.00003.

Submissions (7):

Labcorp Genetics (formerly Invitae), Labcorp
Classification: Pathogenic. Last evaluated: 2025-08-03. Review status: criteria provided, single submitter. Criteria: Invitae Variant Classification Sherloc (09022015). Collection method: clinical testing. Allele origin: germline.
Comment: This sequence change replaces arginine, which is basic and polar, with cysteine, which is neutral and slightly polar, at codon 315 of the EIF2B5 protein (p.Arg315Cys). This variant is present in population databases (rs113994063, gnomAD 0.01%). This missense change has been observed in individuals with leukoencephalopathy with vanishing white matter (PMID: 15136673, 21307862, 25089094, 30755392). ClinVar contains an entry for this variant (Variation ID: 598970). Invitae Evidence Modeling of protein sequence and biophysical properties (such as structural, functional, and spatial information, amino acid conservation, physicochemical variation, residue mobility, and thermodynamic stability) indicates that this missense variant is not expected to disrupt EIF2B5 protein function with a negative predictive value of 80%. This variant disrupts the p.Arg315 amino acid residue in EIF2B5. Other variant(s) that disrupt this residue have been determined to be pathogenic (PMID: 11704758, 17646634; internal data). This suggests that this residue is clinically significant, and that variants that disrupt this residue are likely to be disease-causing. For these reasons, this variant has been classified as Pathogenic.

GeneDx
Classification: Pathogenic. Last evaluated: 2025-07-11. Review status: criteria provided, single submitter. Criteria: GeneDx Variant Classification Process June 2021. Collection method: clinical testing. Allele origin: germline. Affected: yes.
Comment: Not observed at significant frequency in large population cohorts (gnomAD); In silico analysis supports that this missense variant has a deleterious effect on protein structure/function; This variant is associated with the following publications: (PMID: 31589614, 30755392, 20016818, 25089094, 34745209, 15136673, 33432707, 39450483, 21307862, 37171481, 38886214, 25761052)

Natera, Inc.
Classification: Pathogenic for Leukoencephalopathy with vanishing white matter. Last evaluated: 2024-07-30. Review status: criteria provided, single submitter. Criteria: Natera Variant Classification Schema (03/2026). Collection method: clinical testing. Allele origin: germline.
Comment: The c.943C>T variant in EIF2B5 is a missense variant predicted to cause substitution of arginine to cysteine at amino acid 315. This variant is rare in the general population with a frequency below the threshold expected for the associated phenotype(s). This variant has been observed in one or more individuals affected with the associated recessive disease, as either homozygous or compound heterozygous with a second variant (PMID: 15136673, 33432707). Computational prediction algorithms indicate this variant is likely to affect gene or protein function. Given the available evidence, this variant is classified as Pathogenic.

Women's Health and Genetics/Laboratory Corporation of America, LabCorp
Classification: Pathogenic for Vanishing white matter disease. Last evaluated: 2023-07-26. Review status: criteria provided, single submitter. Criteria: LabCorp Variant Classification Summary - May 2015. Collection method: clinical testing. Allele origin: germline.
Comment: Variant summary: EIF2B5 c.943C>T (p.Arg315Cys) results in a non-conservative amino acid change in the encoded protein sequence. Five of five in-silico tools predict a damaging effect of the variant on protein function. The variant allele was found at a frequency of 1.6e-05 in 251446 control chromosomes (gnomAD). c.943C>T has been reported in the literature in multiple individuals affected with Leukoencephalopathy With Vanishing White Matter (examples: Zhang_2015, Slynko_2021). These data indicate that the variant is very likely to be associated with disease. The following publications have been ascertained in the context of this evaluation (PMID: 25761052, 33432707). Three submitters have cited clinical-significance assessments for this variant to ClinVar after 2014. All submitters classified the variant as pathogenic. Based on the evidence outlined above, the variant was classified as pathogenic.

3billion
Classification: Pathogenic for Leukoencephalopathy with vanishing white matter 1. Last evaluated: 2022-09-01. Review status: criteria provided, single submitter. Criteria: ACMG Guidelines, 2015. Collection method: clinical testing. Allele origin: germline. Affected: yes. Observed: 1 homozygote.
Comment: The variant is observed at an extremely low frequency in the gnomAD v2.1.1 dataset (total allele frequency: 0.002%). Missense changes are a common disease-causing mechanism. In silico tool predictions suggest damaging effect of the variant on gene or gene product (REVEL: 0.90; 3Cnet: 0.99). The variant has been previously reported to be associated with EIF2B5-related disorder (ClinVar ID: VCV000598970 / PMID: 15136673). It has been reported to be in trans with a pathogenic variant as either compound heterozygous or homozygous in at least 2 similarly affected unrelated individuals, and to co-segregate with the disease in at least one similarly affected relative/individual in the same family or similarly affected unrelated family (PMID: 15136673). Different missense changes at the same codon (p.Arg315Gly, p.Arg315His) have been reported to be associated with EIF2B5-related disorder (ClinVar ID: VCV000005950 / PMID: 11704758). Therefore, this variant is classified as Pathogenic according to the recommendation of ACMG/AMP guideline.

Cambridge Genomics Laboratory, East Genomic Laboratory Hub, NHS Genomic Medicine Service
Classification: Pathogenic for Leukodystrophy. Last evaluated: 2020-02-14. Review status: criteria provided, single submitter. Criteria: ACGS Best Practice Guidelines for Variant Classification in Rare Disease 2020. Collection method: clinical testing. Allele origin: germline. Affected: yes. Observed: 1 variant allele.

Center for Personalized Medicine, Children's Hospital Los Angeles
Classification: Pathogenic. Last evaluated: 2018-11-19. Review status: criteria provided, single submitter. Criteria: ACMG Guidelines, 2015. Collection method: clinical testing. Allele origin: germline. Affected: yes.

Literature cited by the submitters: PubMed 15136673 (cited by 3 submitters); PubMed 21307862 (cited by Labcorp Genetics (formerly Invitae), Labcorp); PubMed 25089094 (cited by Labcorp Genetics (formerly Invitae), Labcorp); PubMed 30755392 (cited by Labcorp Genetics (formerly Invitae), Labcorp); PubMed 11704758 (cited by Labcorp Genetics (formerly Invitae), Labcorp and 3billion); PubMed 17646634 (cited by Labcorp Genetics (formerly Invitae), Labcorp); PubMed 33432707 (cited by Natera, Inc. and Women's Health and Genetics/Laboratory Corporation of America, LabCorp); PubMed 25761052 (cited by Women's Health and Genetics/Laboratory Corporation of America, LabCorp).